The following is an entry in ClinVar:

NM_000258.3(MYL3):c.11A>G (p.Lys4Arg)

Gene: MYL3 (myosin light chain 3; minus strand). Cytogenetic location: 3p21.31.
Variant type: single nucleotide variant.
Coding change: c.11A>G on transcript NM_000258.3 (MANE Select); coding-DNA position 11, A replaced by G.
Protein change: p.Lys4Arg; replaces lysine 4 with arginine.
Molecular consequence: missense variant.
Genome position (GRCh38, 1-based): chr3:46,863,380, T>C on the plus strand (A>G on the coding strand, the complement: MYL3 is on the minus strand). VCF-style: chr3-46863380-T-C. GRCh37 (hg19) VCF-style: chr3-46904870-T-C.
Other names: short protein forms K4R.
Identifiers: ClinVar variation 164490 (VCV000164490.13), dbSNP rs727503301, ClinGen allele CA013525.

ClinVar aggregate classification (germline): Uncertain significance. Review status: criteria provided, multiple submitters, no conflicts (2 of 4 stars). 8 submissions from 8 submitters: Uncertain significance (7). 1 of the submissions does not count toward it. Last evaluated 2025-04-09.

Conditions:
Cardiovascular phenotype. Identifiers: MedGen CN230736.
Hypertrophic cardiomyopathy. Also called: HYPERTROPHIC MYOCARDIOPATHY. Identifiers: Orphanet 217569, MedGen C0007194, MeSH D002312, MONDO:0005045, HP:0001639.
Cardiomyopathy (CMYO). Also called: Cardiomyopathies. Identifiers: Orphanet 167848, MedGen C0878544, MONDO:0004994, HP:0001638. Inheritance: Various modes of inheritance.

Allele frequency attached by ClinVar (database versions not stated): TOPMed below 0.00001; gnomAD exomes 0.00001.
gnomAD v4.1: 3 of 1,613,292 alleles (0.00019%); highest among the groups gnomAD compares: Non-Finnish European, 0.00025%; no homozygotes.

Submissions (8):

Molecular Diagnostic Laboratory for Inherited Cardiovascular Disease, Montreal Heart Institute
Classification: Uncertain significance for Cardiovascular phenotype. Last evaluated: 2025-04-09. Review status: criteria provided, single submitter. Criteria: ACMG Guidelines, 2015. Collection method: clinical testing. Allele origin: germline. Affected: yes.
Comment: PM2, PS4_supp, PP2, BP4

GeneDx
Classification: Uncertain significance. Last evaluated: 2025-02-20. Review status: criteria provided, single submitter. Criteria: GeneDx Variant Classification Process June 2021. Collection method: clinical testing. Allele origin: germline. Affected: yes.
Comment: Not observed at significant frequency in large population cohorts (gnomAD); In silico analysis supports that this missense variant has a deleterious effect on protein structure/function; Reported in association with cardiomyopathy; however, detailed clinical information was not provided (PMID: 27532257); This variant is associated with the following publications: (PMID: 37652022, 27532257)

Blueprint Genetics
Classification: Uncertain significance. Last evaluated: 2024-11-08. Review status: criteria provided, single submitter. Criteria: ACMG Guidelines, 2015. Collection method: clinical testing. Allele origin: germline.

Ambry Genetics
Classification: Uncertain significance for Cardiovascular phenotype. Last evaluated: 2023-12-18. Review status: criteria provided, single submitter. Criteria: Ambry Variant Classification Scheme 2023. Collection method: clinical testing. Allele origin: germline.
Comment: The p.K4R variant (also known as c.11A>G), located in coding exon 1 of the MYL3 gene, results from an A to G substitution at nucleotide position 11. The lysine at codon 4 is replaced by arginine, an amino acid with highly similar properties. This alteration was identified in 1 patient with hypertrophic cardiomyopathy (HCM) in a large study of pathogenicity of Mendelian variants in cardiomyopathy patients, but clinical details are limited (Walsh R et al. Genet Med, 2017 Feb;19:192-203). This amino acid position is highly conserved in available vertebrate species. In addition, the in silico prediction for this alteration is inconclusive. Since supporting evidence is limited at this time, the clinical significance of this alteration remains unclear.

All of Us Research Program, National Institutes of Health
Classification: Uncertain significance for Hypertrophic cardiomyopathy. Last evaluated: 2023-10-23. Review status: criteria provided, single submitter. Criteria: ACMG Guidelines, 2015. Collection method: clinical testing. Allele origin: germline. Inheritance: Autosomal dominant inheritance. Observed: 1 variant allele, 1 heterozygote.
Comment: This missense variant replaces lysine with arginine at codon 4 of the MYL3 protein. Computational prediction is inconclusive regarding the impact of this variant on protein structure and function (internally defined REVEL score threshold 0.5 < inconclusive < 0.7, PMID: 27666373). To our knowledge, functional studies have not been reported for this variant. This variant has been reported in one individual affected with hypertrophic cardiomyopathy (PMID: 27532257 and 25611685). This variant has not been identified in the general population by the Genome Aggregation Database (gnomAD). The available evidence is insufficient to determine the role of this variant in disease conclusively. Therefore, this variant is classified as a Variant of Uncertain Significance.

This study involves interpretation of variants in research participants for the purpose of population health screening. Participant phenotype was not available at the time of variant classification. Additional details can be found in publication PMID: 35346344, PMCID: PMC8962531

Color Diagnostics, LLC DBA Color Health
Classification: Uncertain significance for Cardiomyopathy. Last evaluated: 2023-10-05. Review status: criteria provided, single submitter. Criteria: ACMG Guidelines, 2015. Collection method: clinical testing. Allele origin: germline.
Comment: This missense variant replaces lysine with arginine at codon 4 of the MYL3 protein. Computational prediction is inconclusive regarding the impact of this variant on protein structure and function. To our knowledge, functional studies have not been reported for this variant. This variant has been reported in one individual affected with hypertrophic cardiomyopathy (PMID: 27532257 and 25611685). This variant has not been identified in the general population by the Genome Aggregation Database (gnomAD). The available evidence is insufficient to determine the role of this variant in disease conclusively. Therefore, this variant is classified as a Variant of Uncertain Significance.

Labcorp Genetics (formerly Invitae), Labcorp
Classification: Uncertain significance for Hypertrophic cardiomyopathy. Last evaluated: 2018-08-15. Review status: criteria provided, single submitter. Criteria: Invitae Variant Classification Sherloc (09022015). Collection method: clinical testing. Allele origin: germline.
Comment: This sequence change replaces lysine with arginine at codon 4 of the MYL3 protein (p.Lys4Arg). The lysine residue is moderately conserved and there is a small physicochemical difference between lysine and arginine. This variant is not present in population databases (ExAC no frequency). This variant has been observed in an individual affected with hypertrophic cardiomyopathy (PMID:Â¬â€ 27532257).Â¬â€ ClinVar contains an entry for this variant (Variation ID: 164490). Algorithms developed to predict the effect of missense changes on protein structure and function are either unavailable or do not agree on the potential impact of this missense change (SIFT: "Tolerated"; PolyPhen-2: "Not Available"; Align-GVGD: "Class C0"). Algorithms developed to predict the effect of sequence changes on RNA splicing suggest that this variant may create or strengthen a splice site, but this prediction has not been confirmed by published transcriptional studies. In summary, the available evidence is currently insufficient to determine the role of this variant in disease. Therefore, it has been classified as a Variant of Uncertain Significance.

Laboratory for Molecular Medicine, Mass General Brigham Personalized Medicine
Classification: Uncertain significance. Last evaluated: 2013-02-13. Review status: no assertion criteria provided. Collection method: clinical testing. Allele origin: germline. Observed: 2 variant alleles. Not counted in ClinVar's aggregate classification.
Comment: proposed classification - variant undergoing re-assessment, contact laboratory

Literature cited by the submitters: PubMed 25611685 (cited by Ambry Genetics and Color Diagnostics, LLC DBA Color Health); PubMed 27532257 (cited by 3 submitters).